The following is an entry in ClinVar:

ClinVar aggregate classification (germline): Uncertain significance (1 of 4 stars; one submission).

Conditions:
Neuronal ceroid lipofuscinosis 7 (CLN7). Also called: MFSD8-Related Neuronal Ceroid-Lipofuscinosis. Identifiers: Orphanet 168491, Orphanet 228366, MedGen C1838571, MONDO:0012588, OMIM 610951.

Allele frequency attached by ClinVar (database versions not stated): gnomAD exomes below 0.00001; gnomAD 0.00001.
gnomAD v4.1: 7 of 1,614,042 alleles (0.00043%); highest among the groups gnomAD compares: Middle Eastern, 0.033%; no homozygotes.

Submission:

Labcorp Genetics (formerly Invitae), Labcorp
Classification: Uncertain significance for Neuronal ceroid lipofuscinosis 7. Last evaluated: 2022-06-09. Review status: criteria provided, single submitter. Criteria: Invitae Variant Classification Sherloc (09022015). Collection method: clinical testing. Allele origin: germline.
Comment: This sequence change replaces leucine, which is neutral and non-polar, with valine, which is neutral and non-polar, at codon 425 of the MFSD8 protein (p.Leu425Val). This variant is present in population databases (no rsID available, gnomAD no frequency). This variant has not been reported in the literature in individuals affected with MFSD8-related conditions. Algorithms developed to predict the effect of missense changes on protein structure and function are either unavailable or do not agree on the potential impact of this missense change (SIFT: "Deleterious"; PolyPhen-2: "Possibly Damaging"; Align-GVGD: "Class C0"). Algorithms developed to predict the effect of sequence changes on RNA splicing suggest that this variant may create or strengthen a splice site. In summary, the available evidence is currently insufficient to determine the role of this variant in disease. Therefore, it has been classified as a Variant of Uncertain Significance.

NM_001371596.2(MFSD8):c.1273C>G (p.Leu425Val)

Gene: MFSD8 (major facilitator superfamily domain containing 8; minus strand). Cytogenetic location: 4q28.2.
Variant type: single nucleotide variant.
Coding change: c.1273C>G on transcript NM_001371596.2 (MANE Select); coding-DNA position 1273, C replaced by G.
Protein change: p.Leu425Val; replaces leucine 425 with valine.
Molecular consequence: missense variant.
Genome position (GRCh38, 1-based): chr4:127,921,601, G>C on the plus strand (C>G on the coding strand, the complement: MFSD8 is on the minus strand). VCF-style: chr4-127921601-G-C. GRCh37 (hg19) VCF-style: chr4-128842756-G-C.
Other names: c.1072C>G, p.Leu358Val (NM_001363520.3); c.958C>G, p.Leu320Val (NM_001363521.3); c.1138C>G, p.Leu380Val (NM_001371590.2); c.1273C>G, p.Leu425Val (NM_001371591.2, NM_152778.4); c.1279C>G, p.Leu427Val (NM_001371592.2); c.1159C>G, p.Leu387Val (NM_001371593.2); c.1126C>G, p.Leu376Val (NM_001371594.2); c.991C>G, p.Leu331Val (NM_001371595.1); and 2 more; short protein forms L331V, L380V, L427V, L320V, L358V, L376V, L387V, L425V.
Identifiers: ClinVar variation 1421160 (VCV001421160.4), dbSNP rs1334064077, ClinGen allele CA358171124.